The following is an entry in ClinVar:

NM_198994.3(TGM6):c.1259T>C (p.Ile420Thr)

Gene: TGM6 (transglutaminase 6; plus strand). Cytogenetic location: 20p13.
Variant type: single nucleotide variant.
Coding change: c.1259T>C on transcript NM_198994.3 (MANE Select); coding-DNA position 1259, T replaced by C.
Protein change: p.Ile420Thr; replaces isoleucine 420 with threonine.
Molecular consequence: missense variant.
Genome position (GRCh38, 1-based): chr20:2,403,746, T>C. VCF-style: chr20-2403746-T-C. GRCh37 (hg19) VCF-style: chr20-2384392-T-C.
Other names: c.1259T>C, p.Ile420Thr (NM_001254734.2); short protein forms I420T.
Identifiers: ClinVar variation 4810397 (VCV004810397.1).

ClinVar aggregate classification (germline): Uncertain significance (1 of 4 stars; one submission).

gnomAD v4.1: 17 of 1,614,044 alleles (0.0011%); highest among the groups gnomAD compares: Non-Finnish European, 0.0014%; no homozygotes.

Submission:

Labcorp Genetics (formerly Invitae), Labcorp
Classification: Uncertain significance. Last evaluated: 2025-10-26. Review status: criteria provided, single submitter. Criteria: Invitae Variant Classification Sherloc (09022015). Collection method: clinical testing. Allele origin: germline.
Comment: This sequence change replaces isoleucine, which is neutral and non-polar, with threonine, which is neutral and polar, at codon 420 of the TGM6 protein (p.Ile420Thr). This variant is present in population databases (rs752383362, gnomAD 0.007%). This variant has not been reported in the literature in individuals affected with TGM6-related conditions. Invitae Evidence Modeling of protein sequence and biophysical properties (such as structural, functional, and spatial information, amino acid conservation, physicochemical variation, residue mobility, and thermodynamic stability) indicates that this missense variant is not expected to disrupt TGM6 protein function with a negative predictive value of 80%. In summary, the available evidence is currently insufficient to determine the role of this variant in disease. Therefore, it has been classified as a Variant of Uncertain Significance.